The following is an entry in ClinVar:

ClinVar aggregate classification (germline): Uncertain significance. Review status: criteria provided, single submitter (1 of 4 stars). 2 submissions from 2 submitters: Uncertain significance (1). 1 of the submissions does not count toward it. Last evaluated 2019-08-20.

Conditions:
CFTR-related disorder (CFTR-RD). Also called: CFTR-related condition; CFTR-related disorders. Identifiers: MedGen C5924204, MONDO:7770004.
Cystic fibrosis (CF). Also called: MUCOVISCIDOSIS. Identifiers: Orphanet 586, MedGen C0010674, MONDO:0009061, OMIM 219700. Disease mechanism: loss of function.

Submissions (2):

Ambry Genetics
Classification: Uncertain significance for Cystic fibrosis. Last evaluated: 2019-08-20. Review status: criteria provided, single submitter. Criteria: Ambry Variant Classification Scheme 2023. Collection method: clinical testing. Allele origin: germline.
Comment: The p.W1098G variant (also known as c.3292T>G), located in coding exon 20 of the CFTR gene, results from a T to G substitution at nucleotide position 3292. The tryptophan at codon 1098 is replaced by glycine, an amino acid with highly dissimilar properties. This amino acid position is highly conserved in available vertebrate species. In addition, this alteration is predicted to be deleterious by in silico analysis. Alterations at the same amino acid position, p.W1098R, p.W1098L, and p.W1098C, were also reported in individuals with cystic fibrosis (Zielenski J et al. Hum. Mutat. 1995; 5(1):43-7; Stanke F et al, J. Med. Genet. 2008 Jan; 45(1):47-54; Orozco L et al, Hum. Genet. 2000 Mar; 106(3):360-5). Based on available evidence to date, the clinical significance of this alteration remains unclear.

Natera, Inc.
Classification: Uncertain significance for CFTR-related disorders. Last evaluated: 2021-05-12. Review status: no assertion criteria provided. Collection method: clinical testing. Allele origin: germline. Not counted in ClinVar's aggregate classification.

NM_000492.4(CFTR):c.3292T>G (p.Trp1098Gly)

Genes: CFTR (CF transmembrane conductance regulator; plus strand), CFTR-AS2 (CFTR antisense RNA 2; minus strand), LOC111674472 (DNase I hypersensitive sites in introns 16 and 17a of CFTR; plus strand). Cytogenetic location: 7q31.2.
Variant type: single nucleotide variant.
Coding change: c.3292T>G on transcript NM_000492.4 (MANE Select); coding-DNA position 3292, T replaced by G.
Protein change: p.Trp1098Gly; replaces tryptophan 1098 with glycine.
Molecular consequence: missense variant.
Genome position (GRCh38, 1-based): chr7:117,611,733, T>G. VCF-style: chr7-117611733-T-G. GRCh37 (hg19) VCF-style: chr7-117251787-T-G.
Other names: short protein forms W1098G.
Identifiers: ClinVar variation 823458 (VCV000823458.5), dbSNP rs397508531, ClinGen allele CA368992407.
Genomic context (GRCh38, chr7:117,611,733, plus strand): 5'-TTCCACAAAGCTCTGAATTTACATACTGCCAACTGGTTCTTGTACCTGTCAACACTGCGC[T>G]GGTTCCAAATGAGAATAGAAATGATTTTTGTCATCTTCTTCATTGCTGTTACCTTCATTT-3'
Protein context (NP_000483.3, residues 1088-1108): NWFLYLSTLR[Trp1098Gly]FQMRIEMIFV